The following is an entry in ClinVar:

ClinVar aggregate classification (germline): Conflicting classifications of pathogenicity. Review status: criteria provided, conflicting classifications (1 of 4 stars). 7 submissions from 7 submitters: Uncertain significance (2); Likely benign (5). Last evaluated 2026-03-04.

Conditions:
TSC2-related disorder. Also called: TSC2-related condition; TSC2-Related Disorders.
Hereditary cancer-predisposing syndrome. Also called: Neoplastic Syndromes, Hereditary; Tumor predisposition; Hereditary neoplastic syndrome; Hereditary Cancer Syndrome. Identifiers: Orphanet 140162, MedGen C0027672, MeSH D009386, MONDO:0015356.
Tuberous sclerosis syndrome (TSC). Also called: Tuberous Sclerosis Complex; Tuberous sclerosis. Identifiers: Orphanet 805, MedGen C0041341, MONDO:0001734.
Tuberous sclerosis 2 (TSC2). Identifiers: Orphanet 805, MedGen C1860707, MONDO:0013199, OMIM 613254.

Allele frequency attached by ClinVar (database versions not stated): TOPMed 0.00002.

Submissions (7):

Ambry Genetics
Classification: Likely benign for Hereditary cancer-predisposing syndrome. Last evaluated: 2026-03-04. Review status: criteria provided, single submitter. Criteria: Ambry Variant Classification Scheme 2023. Collection method: clinical testing. Allele origin: germline.

Labcorp Genetics (formerly Invitae), Labcorp
Classification: Likely benign for Tuberous sclerosis 2. Last evaluated: 2025-11-11. Review status: criteria provided, single submitter. Criteria: Invitae Variant Classification Sherloc (09022015). Collection method: clinical testing. Allele origin: germline.

PreventionGenetics, part of Exact Sciences
Classification: Likely benign for TSC2-related condition. Last evaluated: 2025-10-21. Review status: criteria provided, single submitter. Criteria: ACMG Guidelines, 2015. Collection method: clinical testing. Allele origin: germline.
Comment: This variant is classified as likely benign based on ACMG/AMP sequence variant interpretation guidelines (Richards et al. 2015 PMID: 25741868, with internal and published modifications).

Quest Diagnostics Nichols Institute San Juan Capistrano
Classification: Uncertain significance. Last evaluated: 2025-07-24. Review status: criteria provided, single submitter. Criteria: Quest Diagnostics criteria. Collection method: clinical testing. Allele origin: unknown.

Color Diagnostics, LLC DBA Color Health
Classification: Uncertain significance for Tuberous sclerosis syndrome. Last evaluated: 2024-04-18. Review status: criteria provided, single submitter. Criteria: ACMG Guidelines, 2015. Collection method: clinical testing. Allele origin: germline.
Comment: This missense variant replaces arginine with histidine at codon 718 of the TSC2 protein. Computational prediction is inconclusive regarding the impact of this variant on protein structure and function. To our knowledge, functional studies have not been reported for this variant. This variant has not been reported in individuals affected with TSC2-related disorders in the literature. This variant has been identified in 5/251170 chromosomes in the general population by the Genome Aggregation Database (gnomAD). The available evidence is insufficient to determine the role of this variant in disease conclusively. Therefore, this variant is classified as a Variant of Uncertain Significance.

Genome-Nilou Lab
Classification: Likely benign for Tuberous sclerosis 2. Last evaluated: 2021-11-07. Review status: criteria provided, single submitter. Criteria: ACMG Guidelines, 2015. Collection method: clinical testing. Allele origin: germline. Affected: no.

GeneDx
Classification: Likely benign. Last evaluated: 2020-11-30. Review status: criteria provided, single submitter. Criteria: GeneDx Variant Classification Process June 2021. Collection method: clinical testing. Allele origin: germline. Affected: yes.

NM_000548.5(TSC2):c.2153G>A (p.Arg718His)

Gene: TSC2 (TSC complex subunit 2; plus strand). Cytogenetic location: 16p13.3.
Variant type: single nucleotide variant.
Coding change: c.2153G>A on transcript NM_000548.5 (MANE Select); coding-DNA position 2153, G replaced by A.
Protein change: p.Arg718His; replaces arginine 718 with histidine.
Molecular consequence: missense variant.
Genome position (GRCh38, 1-based): chr16:2,072,296, G>A. VCF-style: chr16-2072296-G-A. GRCh37 (hg19) VCF-style: chr16-2122297-G-A.
Other names: c.2153G>A, p.Arg718His (NM_001077183.3, NM_001114382.3, NM_001363528.2 and 3 more transcripts); c.2042G>A, p.Arg681His (NM_001318827.2); c.2006G>A, p.Arg669His (NM_001318829.2); c.1553G>A, p.Arg518His (NM_001318831.2); c.2186G>A, p.Arg729His (NM_001318832.2); c.2153G>A (NM_000548.4); short protein forms R718H, R669H, R518H, R729H, R681H.
Identifiers: ClinVar variation 186667 (VCV000186667.25), dbSNP rs45517215, ClinGen allele CA016838.
Genomic context (GRCh38, chr16:2,072,296, plus strand): 5'-CGCAGGAGTCTGACTGGAAGGTGCTGAAGCTGGTTCTGGGCAGGCTGCCTGAGTCCCTGC[G>A]CTATAAAGTGCTCATCTTTACTTCCCCTTGCAGTGTGGACCAGCTGTGCTCTGCTCTCTG-3'
Protein context (NP_000539.2, residues 708-728): LVLGRLPESL[Arg718His]YKVLIFTSPC